The following is an entry in ClinVar:

ClinVar aggregate classification (germline): Benign. Review status: criteria provided, multiple submitters, no conflicts (2 of 4 stars). 5 submissions from 5 submitters: Benign (5). Last evaluated 2021-09-10.

Conditions:
Autosomal recessive nonsyndromic hearing loss 28. Identifiers: Orphanet 90636, MedGen C1853276, MONDO:0012355, OMIM 609823.

Allele frequency attached by ClinVar (database versions not stated): 1000 Genomes Project 30x 0.16771; TOPMed 0.17209; 1000 Genomes Project 0.17252; ESP Exome Variant Server 0.17725; gnomAD 0.18268 and 0.18741; gnomAD exomes 0.22853 and 0.23150; ExAC 0.26533.
gnomAD v4.1: 360,029 of 1,601,948 alleles (22%); highest among the groups gnomAD compares: South Asian, 30%; 42,494 homozygotes.

Submissions (5):

Genome-Nilou Lab
Classification: Benign for Autosomal recessive nonsyndromic hearing loss 28. Last evaluated: 2021-09-10. Review status: criteria provided, single submitter. Criteria: ACMG Guidelines, 2015. Collection method: clinical testing. Allele origin: germline. Affected: no.

GeneDx
Classification: Benign. Last evaluated: 2017-05-09. Review status: criteria provided, single submitter. Criteria: GeneDx Variant Classification (06012015). Collection method: clinical testing. Allele origin: germline. Affected: yes.
Comment: This variant is considered likely benign or benign based on one or more of the following criteria: it is a conservative change, it occurs at a poorly conserved position in the protein, it is predicted to be benign by multiple in silico algorithms, and/or has population frequency not consistent with disease.

Laboratory for Molecular Medicine, Mass General Brigham Personalized Medicine
Classification: Benign. Last evaluated: 2012-05-07. Review status: criteria provided, single submitter. Criteria: LMM Criteria. Collection method: clinical testing. Allele origin: germline. Observed: 551 variant alleles.
Comment: -14C>G in Exon 03 of TRIOBP: This variant is not expected to have clinical signi ficance because it has been identified in 23.2% (1567/6740) of European American chromosomes from a broad population by the NHLBI Exome Sequencing Project (

Breakthrough Genomics
Classification: Benign. Review status: criteria provided, single submitter. Criteria: ACMG Guidelines, 2015. Collection method: not provided. Allele origin: germline. Inheritance: Autosomal recessive inheritance. Affected: yes.

PreventionGenetics, part of Exact Sciences
Classification: Benign. Review status: criteria provided, single submitter. Criteria: ACMG Guidelines, 2015. Collection method: clinical testing. Allele origin: germline.

NM_001039141.3(TRIOBP):c.-14C>G

Gene: TRIOBP (TRIO and F-actin binding protein; plus strand). Cytogenetic location: 22q13.1.
Variant type: single nucleotide variant.
Coding change: c.-14C>G on transcript NM_001039141.3 (MANE Select); 14 bases upstream of the start codon, C replaced by G.
Molecular consequence: 5 prime UTR variant.
Genome position (GRCh38, 1-based): chr22:37,701,352, C>G. VCF-style: chr22-37701352-C-G. GRCh37 (hg19) VCF-style: chr22-38097359-C-G.
Identifiers: ClinVar variation 43848 (VCV000043848.10), dbSNP rs12484441, ClinGen allele CA133021.
Genomic context (GRCh38, chr22:37,701,352, plus strand): 5'-CTCATTTTTGCCAGGCCTCACATAGACGGTCAGCCATTGGATCATAGGAACTGCCCTGGC[C>G]TGACTCACCCAATATGGAGGAGGTGCCTGGGGATGCCCTGTGTGAACACTTTGAGGCCAA-3'